The following is an entry in ClinVar:

NM_004638.4(PRRC2A):c.1631C>A (p.Thr544Lys)

Gene: PRRC2A (proline rich coiled-coil 2A; plus strand). Cytogenetic location: 6p21.33.
Variant type: single nucleotide variant.
Coding change: c.1631C>A on transcript NM_004638.4 (MANE Select); coding-DNA position 1631, C replaced by A.
Protein change: p.Thr544Lys; replaces threonine 544 with lysine.
Molecular consequence: missense variant.
Genome position (GRCh38, 1-based): chr6:31,628,105, C>A. VCF-style: chr6-31628105-C-A. GRCh37 (hg19) VCF-style: chr6-31595882-C-A.
Other names: c.1631C>A, p.Thr544Lys (NM_080686.3); short protein forms T544K.
Identifiers: ClinVar variation 3060200 (VCV003060200.2), dbSNP rs1046080, ClinGen allele CA3715441.
Genomic context (GRCh38, chr6:31,628,105, plus strand): 5'-TCCCTAAAGAACTCCCTGCACCTCCAGCTCCACCTCCAGCATCAGCCCCAACACCAGAGA[C>A]AGAACCTGAAGAGCCAGCACAGGCCCCTCCTGCCCAATCTACTCCTACTCCAGGTGTGGC-3'
Protein context (NP_004629.3, residues 534-554): PPPASAPTPE[Thr544Lys]EPEEPAQAPP

ClinVar aggregate classification (germline): Benign (0 of 4 stars; one submission).

Conditions:
PRRC2A-related disorder. Also called: PRRC2A-related condition.

Allele frequency attached by ClinVar (database versions not stated): ESP Exome Variant Server 0.72180; TOPMed 0.73669; gnomAD 0.74242; gnomAD exomes 0.74827; ExAC 0.78788; 1000 Genomes Project 30x 0.80715; 1000 Genomes Project 0.81550.
gnomAD v4.1: 1,206,775 of 1,612,820 alleles (75%); highest among the groups gnomAD compares: East Asian, 98%; 455,099 homozygotes.

Submission:

PreventionGenetics, part of Exact Sciences
Classification: Benign for PRRC2A-related condition. Last evaluated: 2019-10-17. Review status: no assertion criteria provided. Collection method: clinical testing. Allele origin: germline.
Comment: This variant is classified as benign based on ACMG/AMP sequence variant interpretation guidelines (Richards et al. 2015 PMID: 25741868, with internal and published modifications).